The following is an entry in ClinVar:

NM_017763.6(RNF43):c.1553A>G (p.Gln518Arg)

Gene: RNF43 (ring finger protein 43; minus strand). Cytogenetic location: 17q22.
Variant type: single nucleotide variant.
Coding change: c.1553A>G on transcript NM_017763.6 (MANE Select); coding-DNA position 1553, A replaced by G.
Protein change: p.Gln518Arg; replaces glutamine 518 with arginine.
Molecular consequence: missense variant.
Genome position (GRCh38, 1-based): chr17:58,358,223, T>C on the plus strand (A>G on the coding strand, the complement: RNF43 is on the minus strand). VCF-style: chr17-58358223-T-C. GRCh37 (hg19) VCF-style: chr17-56435584-T-C.
Other names: c.1553A>G, p.Gln518Arg (NM_001305544.3); c.1172A>G, p.Gln391Arg (NM_001305545.2); short protein forms Q391R, Q518R.
Identifiers: ClinVar variation 1019774 (VCV001019774.9), dbSNP rs768913584, ClinGen allele CA8673160.

ClinVar aggregate classification (germline): Uncertain significance. Review status: criteria provided, multiple submitters, no conflicts (2 of 4 stars). 4 submissions from 4 submitters: Uncertain significance (4). Last evaluated 2024-11-22.

Conditions:
Sessile serrated polyposis cancer syndrome (SSPCS). Identifiers: Orphanet 157798, MedGen C4310714, MONDO:0014919, OMIM 617108.

Allele frequency attached by ClinVar (database versions not stated): gnomAD 0.00001; gnomAD exomes 0.00001 and 0.00003; ExAC 0.00002; TOPMed 0.00003.

Submissions (4):

Ambry Genetics
Classification: Uncertain significance. Last evaluated: 2024-11-22. Review status: criteria provided, single submitter. Criteria: Ambry Variant Classification Scheme 2023. Collection method: clinical testing. Allele origin: germline.
Comment: The p.Q518R variant (also known as c.1553A>G), located in coding exon 8 of the RNF43 gene, results from an A to G substitution at nucleotide position 1553. The glutamine at codon 518 is replaced by arginine, an amino acid with highly similar properties. This amino acid position is conserved. In addition, this alteration is predicted to be tolerated by in silico analysis. Based on the available evidence, the clinical significance of this variant remains unclear.

Fulgent Genetics
Classification: Uncertain significance for Sessile serrated polyposis cancer syndrome. Last evaluated: 2024-06-19. Review status: criteria provided, single submitter. Criteria: ACMG Guidelines, 2015. Collection method: clinical testing. Allele origin: germline.

GeneDx
Classification: Uncertain significance. Last evaluated: 2023-10-18. Review status: criteria provided, single submitter. Criteria: GeneDx Variant Classification Process June 2021. Collection method: clinical testing. Allele origin: germline. Affected: yes.
Comment: In silico analysis supports that this missense variant does not alter protein structure/function; Has not been previously published as pathogenic or benign to our knowledge; Variants in candidate genes are classified as variants of uncertain significance in accordance with ACMG guidelines (Richards et al., 2015); This variant is associated with the following publications: (PMID: 31672974)

Labcorp Genetics (formerly Invitae), Labcorp
Classification: Uncertain significance. Last evaluated: 2023-04-22. Review status: criteria provided, single submitter. Criteria: Invitae Variant Classification Sherloc (09022015). Collection method: clinical testing. Allele origin: germline.
Comment: This sequence change replaces glutamine, which is neutral and polar, with arginine, which is basic and polar, at codon 518 of the RNF43 protein (p.Gln518Arg). In summary, the available evidence is currently insufficient to determine the role of this variant in disease. Therefore, it has been classified as a Variant of Uncertain Significance. Algorithms developed to predict the effect of missense changes on protein structure and function output the following: SIFT: "Not Available"; PolyPhen-2: "Benign"; Align-GVGD: "Not Available". The arginine amino acid residue is found in multiple mammalian species, which suggests that this missense change does not adversely affect protein function. ClinVar contains an entry for this variant (Variation ID: 1019774). This variant has not been reported in the literature in individuals affected with RNF43-related conditions. This variant is present in population databases (rs768913584, gnomAD 0.02%).